The following is an entry in ClinVar:

ClinVar aggregate classification (germline): Uncertain significance (1 of 4 stars; one submission).

Conditions:
TOPORS-related disorder. Also called: TOPORS-related condition.

gnomAD v4.1: 5 of 1,612,930 alleles (0.00031%); highest among the groups gnomAD compares: African/African-American, 0.004%; no homozygotes.

Submission:

PreventionGenetics, part of Exact Sciences
Classification: Uncertain significance for TOPORS-related condition. Last evaluated: 2025-12-05. Review status: criteria provided, single submitter. Criteria: ACMG Guidelines, 2015. Collection method: clinical testing. Allele origin: germline.
Comment: The TOPORS c.113G>T variant is predicted to result in the amino acid substitution p.Gly38Val. To our knowledge, this variant has not been reported in the literature or in a large population database (gnomAD), indicating this variant is rare. At this time, the clinical significance of this variant is uncertain due to the absence of conclusive functional and genetic evidence.

NM_005802.5(TOPORS):c.113G>T (p.Gly38Val)

Gene: TOPORS (TOP1 binding arginine/serine rich protein, E3 ubiquitin ligase; minus strand). Cytogenetic location: 9p21.1.
Variant type: single nucleotide variant.
Coding change: c.113G>T on transcript NM_005802.5 (MANE Select); coding-DNA position 113, G replaced by T.
Protein change: p.Gly38Val; replaces glycine 38 with valine.
Molecular consequence: missense variant. On other transcripts: intron variant (1).
Genome position (GRCh38, 1-based): chr9:32,550,859, C>A on the plus strand (G>T on the coding strand, the complement: TOPORS is on the minus strand). VCF-style: chr9-32550859-C-A. GRCh37 (hg19) VCF-style: chr9-32550857-C-A.
Other names: c.3+1575G>T (NM_001195622.2); short protein forms G38V.
Identifiers: ClinVar variation 4989069 (VCV004989069.1).
Genomic context (GRCh38, chr9:32,550,859, plus strand): 5'-GCTGGGGCGCTCGCCGCGAGCTCCCGGCAGCCCAGAAAGCTAGGTCGGTGTCGGCAGGAT[C>A]CGCGAAGGCGTACCCGGCGACTTCTCCGCCTACCCTCCGAAGCGGGAGCAGGCGGGGGCG-3'
Protein context (NP_005793.2, residues 28-48): RRRSRRVRLR[Gly38Val]SCRHRPSFLG